The following is an entry in ClinVar:

ClinVar aggregate classification (germline): Conflicting classifications of pathogenicity. Review status: criteria provided, conflicting classifications (1 of 4 stars). 11 submissions from 8 submitters: Uncertain significance (9); Likely benign (1). 1 of the submissions does not count toward it. Last evaluated 2025-02-11.

Conditions:
ABCC8-related disorder.
Type 2 diabetes mellitus. Also called: Type II diabetes mellitus. Identifiers: MedGen C0011860, MeSH D003924, MONDO:0005148, OMIM 125853, HP:0005978.
Diabetes mellitus, permanent neonatal 3. Also called: ABCC8-Related Permanent Neonatal Diabetes Mellitus. Identifiers: MedGen C5394303, MONDO:0030088, OMIM 618857.
Diabetes mellitus, transient neonatal, 2 (TNDM2). Identifiers: Orphanet 99886, MedGen C1835887, MONDO:0012480, OMIM 610374. Disease mechanism: loss of function.
Hyperinsulinemic hypoglycemia, familial, 1 (HHF1). Also called: Persistent hyperinsulinemic hypoglycemia of infancy; NESIDIOBLASTOSIS OF PANCREAS; Persistent Hyperinsulinemia Hypoglycemia of Infancy; HYPERINSULINISM, FAMILIAL, WITH PANCREATIC NESIDIOBLASTOSIS; HYPOGLYCEMIA, HYPERINSULINEMIC, OF INFANCY. Identifiers: Orphanet 276575, Orphanet 276598, MedGen C2931832, MONDO:0009734, OMIM 256450.
Leucine-induced hypoglycemia (LIH). Also called: LEUCINE-SENSITIVE HYPOGLYCEMIA OF INFANCY. Identifiers: MedGen C0271714, MONDO:0009415, OMIM 240800.
Transitory neonatal diabetes mellitus. Also called: Transient neonatal diabetes mellitus. Identifiers: MedGen C0342273, MONDO:0020525, HP:0008255.
Maturity-onset diabetes of the young (MODY). Also called: Maturity onset diabetes mellitus in young. Identifiers: Orphanet 552, MedGen C0342276, MONDO:0018911, HP:0004904.
Permanent neonatal diabetes mellitus (PNDM). Identifiers: Orphanet 99885, MedGen C1833104, MONDO:0100164, MONDO:0011643. Disease mechanism: gain of function.

Allele frequency attached by ClinVar (database versions not stated): gnomAD exomes 0.00005; TOPMed 0.00008; ExAC 0.00002; gnomAD 0.00003 and 0.00005.
gnomAD v4.1: 101 of 1,613,964 alleles (0.0063%); highest among the groups gnomAD compares: Non-Finnish European, 0.0077%; no homozygotes.

Submissions (11):

Revvity Omics, Revvity
Classification: Uncertain significance. Last evaluated: 2025-02-11. Review status: criteria provided, single submitter. Criteria: ACMG Guidelines, 2015. Collection method: clinical testing. Allele origin: germline.

Fulgent Genetics
Classification: Uncertain significance for Type 2 diabetes mellitus; Leucine-induced hypoglycemia; Hyperinsulinemic hypoglycemia, familial, 1; Diabetes mellitus, transient neonatal, 2; Diabetes mellitus, permanent neonatal 3. Last evaluated: 2024-02-26. Review status: criteria provided, single submitter. Criteria: ACMG Guidelines, 2015. Collection method: clinical testing. Allele origin: germline.

Labcorp Genetics (formerly Invitae), Labcorp
Classification: Uncertain significance. Last evaluated: 2022-08-23. Review status: criteria provided, single submitter. Criteria: Invitae Variant Classification Sherloc (09022015). Collection method: clinical testing. Allele origin: germline.
Comment: This sequence change replaces alanine, which is neutral and non-polar, with threonine, which is neutral and polar, at codon 513 of the ABCC8 protein (p.Ala513Thr). This variant is present in population databases (rs761748692, gnomAD 0.008%). This missense change has been observed in individual(s) with clinical features of autosomal dominant diabetes (PMID: 32027066). ClinVar contains an entry for this variant (Variation ID: 303783). Advanced modeling of protein sequence and biophysical properties (such as structural, functional, and spatial information, amino acid conservation, physicochemical variation, residue mobility, and thermodynamic stability) performed at Invitae indicates that this missense variant is expected to disrupt ABCC8 protein function. In summary, the available evidence is currently insufficient to determine the role of this variant in disease. Therefore, it has been classified as a Variant of Uncertain Significance.

Blueprint Genetics
Classification: Uncertain significance. Last evaluated: 2022-04-28. Review status: criteria provided, single submitter. Criteria: ACMG Guidelines, 2015. Collection method: clinical testing. Allele origin: germline.

New York Genome Center
Classification: Uncertain significance for Type 2 diabetes mellitus; Hyperinsulinemic hypoglycemia, familial, 1. Last evaluated: 2022-03-25. Review status: criteria provided, single submitter. Criteria: NYGC Assertion Criteria 2020. Collection method: clinical testing. Allele origin: germline. Observed: 1 heterozygote.
Comment: The c.1537G>A (p.Ala513Thr) variant identified in the ABCC8 gene is the substitution of a well conserved Alanine for Threonine at amino acid 513/1582 (exon 10/39). This variant is found with low frequency in gnomAD(v3.1.2) (7 heterozygotes, 0 homozygotes; allele frequency: 4.601e-5) suggesting it is not a common benign variant in the populations represented in that database. In silico algorithms predict this variant to be Deleterious (SIFT; score:0.004) and Pathogenic (REVEL;score:0.8119) to the function of the canonical transcript. This variant is reported as both a Variant of Uncertain Significance and Likely Benign in ClinVar (VarID:303783), and has been reported in three individuals with diabetes [PMID:31291970, 33046911, 32027066], though with uncertain clinical significance and in one family did not segregate with disease [PMID:32027066]. While it is identified with low frequency in population databases and identified in several affected individuals in the literature, its lack of segregation in one of those families and unclear functional consequence results in the classification of the heterozygous c.1537G>A (p.Ala513Thr) variant in the ABCC8 gene as a Variant of Uncertain Significance.

Illumina Laboratory Services, Illumina
Classification: Uncertain significance for Hyperinsulinemic hypoglycemia, familial, 1. Last evaluated: 2018-01-13. Review status: criteria provided, single submitter. Criteria: ICSL Variant Classification Criteria 13 December 2019. Collection method: clinical testing. Allele origin: germline.

Illumina Laboratory Services, Illumina
Classification: Likely benign for Diabetes mellitus, transient neonatal, 2. Last evaluated: 2018-01-13. Review status: criteria provided, single submitter. Criteria: ICSL Variant Classification Criteria 13 December 2019. Collection method: clinical testing. Allele origin: germline.
Comment: This variant was observed in the ICSL laboratory as part of a predisposition screen in an ostensibly healthy population. It had not been previously curated by ICSL or reported in the Human Gene Mutation Database (HGMD: prior to June 1st, 2018), and was therefore a candidate for classification through an automated scoring system. Utilizing variant allele frequency, disease prevalence and penetrance estimates, and inheritance mode, an automated score was calculated to assess if this variant is too frequent to cause the disease. Based on the score and internal cut-off values, a variant classified as likely benign is not then subjected to further curation. The score for this variant resulted in a classification of likely benign for this disease.

Illumina Laboratory Services, Illumina
Classification: Uncertain significance for Permanent neonatal diabetes mellitus 1. Last evaluated: 2018-01-13. Review status: criteria provided, single submitter. Criteria: ICSL Variant Classification Criteria 13 December 2019. Collection method: clinical testing. Allele origin: germline.

Clinical Genomics, Uppaluri K&H Personalized Medicine Clinic
Classification: Uncertain significance for Maturity-onset diabetes of the young. Review status: criteria provided, single submitter. Criteria: K & H Uppaluri Personalized Medicine Clinic Variant Classification & Assertion Criteria_Updated V.1. Collection method: research. Allele origin: unknown. Inheritance: Somatic mutation.
Comment: Mutations in ABCC8 gene are associated with both neonatal diabetes mellitus as well as MODY. Patients with this mutation may have a better response to sulfonylureas. However, no sufficient evidence is found to ascertain the role of this particular variant (rs761748692) in MODY yet.

Clinical Genomics, Uppaluri K&H Personalized Medicine Clinic
Classification: Uncertain significance for Transitory neonatal diabetes mellitus. Review status: criteria provided, single submitter. Criteria: K & H Uppaluri Personalized Medicine Clinic Variant Classification & Assertion Criteria_Updated V.1. Collection method: research. Allele origin: unknown. Inheritance: Somatic mutation.
Comment: Mutations in ABCC8 gene are associated with both neonatal diabetes mellitus as well as MODY. Patients with this mutation may have a better response to sulfonylureas. However, no sufficient evidence is found to ascertain the role of this particular variant (rs761748692) in neonatal diabetes yet.

PreventionGenetics, part of Exact Sciences
Classification: Uncertain significance for ABCC8-related condition. Last evaluated: 2024-02-22. Review status: no assertion criteria provided. Collection method: clinical testing. Allele origin: germline. Not counted in ClinVar's aggregate classification.
Comment: The ABCC8 c.1537G>A variant is predicted to result in the amino acid substitution p.Ala513Thr. This variant was reported in an individual with diabetes, who inherited this variant from the unaffected mother (De Franco et al 2020. PubMed ID: 32027066). This variant is reported in 0.0078% of alleles in individuals of European (Non-Finnish) descent in gnomAD. At this time, the clinical significance of this variant is uncertain due to the absence of conclusive functional and genetic evidence.

Literature cited by the submitters: PubMed 32027066 (cited by Labcorp Genetics (formerly Invitae), Labcorp and Clinical Genomics, Uppaluri K&H Personalized Medicine Clinic); PubMed 16885549 (cited by Clinical Genomics, Uppaluri K&H Personalized Medicine Clinic); PubMed 21989597 (cited by Clinical Genomics, Uppaluri K&H Personalized Medicine Clinic); PubMed 27538677 (cited by Clinical Genomics, Uppaluri K&H Personalized Medicine Clinic); PubMed 18981553 (cited by Clinical Genomics, Uppaluri K&H Personalized Medicine Clinic); PubMed 16613899 (cited by Clinical Genomics, Uppaluri K&H Personalized Medicine Clinic); PubMed 18025408 (cited by Clinical Genomics, Uppaluri K&H Personalized Medicine Clinic); PubMed 32792356 (cited by Clinical Genomics, Uppaluri K&H Personalized Medicine Clinic).

NM_000352.6(ABCC8):c.1537G>A (p.Ala513Thr)

Gene: ABCC8 (ATP binding cassette subfamily C member 8; minus strand). Cytogenetic location: 11p15.1.
Variant type: single nucleotide variant.
Coding change: c.1537G>A on transcript NM_000352.6 (MANE Select); coding-DNA position 1537, G replaced by A.
Protein change: p.Ala513Thr; replaces alanine 513 with threonine.
Molecular consequence: missense variant. On other transcripts: non-coding transcript variant (1).
Genome position (GRCh38, 1-based): chr11:17,442,813, C>T on the plus strand (G>A on the coding strand, the complement: ABCC8 is on the minus strand). VCF-style: chr11-17442813-C-T. GRCh37 (hg19) VCF-style: chr11-17464360-C-T.
Other names: c.1537G>A, p.Ala513Thr (NM_001287174.3, NM_001351295.2); c.1534G>A, p.Ala512Thr (NM_001351296.2, NM_001351297.2); c.1537G>A (NM_000352.5, NM_000352.4); short protein forms A513T, A512T.
Identifiers: ClinVar variation 303783 (VCV000303783.15), dbSNP rs761748692, ClinGen allele CA5903536.